The following is an entry in ClinVar:

ClinVar aggregate classification (germline): Uncertain significance (1 of 4 stars; one submission).

Conditions:
Noonan syndrome (NS). Also called: Noonan's syndrome. Identifiers: Orphanet 648, MedGen C0028326, MeSH D009634, MONDO:0018997. Disease mechanism: gain of function.

Submission:

Labcorp Genetics (formerly Invitae), Labcorp
Classification: Uncertain significance for Noonan syndrome. Last evaluated: 2024-11-28. Review status: criteria provided, single submitter. Criteria: Invitae Variant Classification Sherloc (09022015). Collection method: clinical testing. Allele origin: germline.
Comment: This sequence change falls in intron 4 of the RRAS gene. It does not directly change the encoded amino acid sequence of the RRAS protein. Information on the frequency of this variant in the gnomAD database is not available, as this variant may be reported differently in the database. This variant has not been reported in the literature in individuals affected with RRAS-related conditions. Experimental studies and prediction algorithms are not available or were not evaluated, and the effect of this variant on mRNA splicing is currently unknown. In summary, the available evidence is currently insufficient to determine the role of this variant in disease. Therefore, it has been classified as a Variant of Uncertain Significance.

NM_006270.5(RRAS):c.454-11_454-10delinsTG

Gene: RRAS (RAS related; minus strand). Cytogenetic location: 19q13.33.
Variant type: Indel.
Coding change: c.454-11_454-10delinsTG on transcript NM_006270.5 (MANE Select); 11 bases into the intron before coding-DNA position 454 through 10 bases into the intron before coding-DNA position 454, CC replaced by TG.
Molecular consequence: intron variant.
Genome position (GRCh38, 1-based): chr19:49,635,862-49,635,863, GG replaced by CA on the plus strand (CC replaced by TG on the coding strand, the reverse complement: RRAS is on the minus strand). VCF-style: chr19-49635862-GG-CA. GRCh37 (hg19) VCF-style: chr19-50139119-GG-CA.
Identifiers: ClinVar variation 3703899 (VCV003703899.2).